The following is an entry in ClinVar:

ClinVar aggregate classification (germline): Likely benign (1 of 4 stars; one submission).

Conditions:
PLXNA2-related disorder. Also called: PLXNA2-related condition.

Submission:

PreventionGenetics, part of Exact Sciences
Classification: Likely benign for PLXNA2-related condition. Last evaluated: 2025-09-11. Review status: criteria provided, single submitter. Criteria: ACMG Guidelines, 2015. Collection method: clinical testing. Allele origin: germline.
Comment: This variant is classified as likely benign based on ACMG/AMP sequence variant interpretation guidelines (Richards et al. 2015 PMID: 25741868, with internal and published modifications).

NM_025179.4(PLXNA2):c.5103C>T (p.Ser1701=)

Gene: PLXNA2 (plexin A2; minus strand). Cytogenetic location: 1q32.2.
Variant type: single nucleotide variant.
Coding change: c.5103C>T on transcript NM_025179.4 (MANE Select); coding-DNA position 5103, C replaced by T.
Protein change: p.Ser1701=; no amino-acid change (serine 1701 retained).
Molecular consequence: synonymous variant.
Genome position (GRCh38, 1-based): chr1:208,031,712, G>A on the plus strand (C>T on the coding strand, the complement: PLXNA2 is on the minus strand). VCF-style: chr1-208031712-G-A. GRCh37 (hg19) VCF-style: chr1-208205057-G-A.
Identifiers: ClinVar variation 4988533 (VCV004988533.1).